The following is an entry in ClinVar:

ClinVar aggregate classification (germline): Uncertain significance (1 of 4 stars; one submission).

Conditions:
Intellectual disability-severe speech delay-mild dysmorphism syndrome (IDDLA). Also called: Mental retardation with language impairment and autistic features; Intellectual developmental disorder with language impairment AND with or without autistic features; FOXP1 Syndrome. Identifiers: Orphanet 391372, MedGen C4013764, MONDO:0013352, OMIM 613670.

Submission:

Centre of Medical Genetics, University Hospital Muenster
Classification: Uncertain significance for Intellectual disability-severe speech delay-mild dysmorphism syndrome. Last evaluated: 2022-04-28. Review status: criteria provided, single submitter. Criteria: ACMG Guidelines, 2015. Collection method: clinical testing. Allele origin: unknown. Affected: yes. Observed: 1 variant allele, 1 heterozygote.
Comment: ACMG categories: PM2,PP3,BP1

NM_001349338.3(FOXP1):c.1652+418G>A

Gene: FOXP1 (forkhead box P1; minus strand). Cytogenetic location: 3p13.
Variant type: single nucleotide variant.
Coding change: c.1652+418G>A on transcript NM_001349338.3 (MANE Select); 418 bases into the intron after coding-DNA position 1652, G replaced by A.
Molecular consequence: intron variant. On other transcripts: missense variant (1).
Genome position (GRCh38, 1-based): chr3:70,972,137, C>T on the plus strand (G>A on the coding strand, the complement: FOXP1 is on the minus strand). VCF-style: chr3-70972137-C-T. GRCh37 (hg19) VCF-style: chr3-71021288-C-T.
Other names: c.1574G>A, p.Arg525Lys (NM_001244810.2); c.1652+418G>A (NM_032682.6, NM_001349340.3, NM_001244816.2 and 1 more transcripts); c.1649+418G>A (NM_001349341.3, NM_001244808.3); c.1424+418G>A (NM_001244812.3); c.1349+418G>A (NM_001349343.3, NM_001349337.2, NM_001370548.1 and 1 more transcripts); c.1352+418G>A (NM_001349342.3, NM_001244815.2, NM_001244813.3); short protein forms R525K.
Identifiers: ClinVar variation 1691569 (VCV001691569.3), dbSNP rs2107186686, ClinGen allele CA353491177.